The following is an entry in ClinVar:

NM_001035.3(RYR2):c.8968C>T (p.Leu2990Phe)

Gene: RYR2 (ryanodine receptor 2; plus strand). Cytogenetic location: 1q43.
Variant type: single nucleotide variant.
Coding change: c.8968C>T on transcript NM_001035.3 (MANE Select); coding-DNA position 8968, C replaced by T.
Protein change: p.Leu2990Phe; replaces leucine 2990 with phenylalanine.
Molecular consequence: missense variant.
Genome position (GRCh38, 1-based): chr1:237,680,528, C>T. VCF-style: chr1-237680528-C-T. GRCh37 (hg19) VCF-style: chr1-237843828-C-T.
Other names: short protein forms L2990F.
Identifiers: ClinVar variation 692127 (VCV000692127.9), dbSNP rs746439954, ClinGen allele CA087795.
Genomic context (GRCh38, chr1:237,680,528, plus strand): 5'-TTAATTGATCAGTATTTCAAAAACCATCGTTTATACTTCTTATCTGCAGCAAGCAGACCT[C>T]TCTGCTCTGGAGGACATGCTTCCAACAAAGAGAAAGAAATGGTGACTAGGTAAACAGCTA-3'
Protein context (NP_001026.2, residues 2980-3000): LYFLSAASRP[Leu2990Phe]CSGGHASNKE

ClinVar aggregate classification (germline): Uncertain significance. Review status: criteria provided, multiple submitters, no conflicts (2 of 4 stars). 4 submissions from 4 submitters: Uncertain significance (4). Last evaluated 2026-07-02.

Conditions:
Catecholaminergic polymorphic ventricular tachycardia 1. Also called: VENTRICULAR TACHYCARDIA, CATECHOLAMINERGIC POLYMORPHIC, 1, WITH OR WITHOUT ATRIAL DYSFUNCTION AND/OR DILATED CARDIOMYOPATHY; RYR2-Related Catecholaminergic Polymorphic Ventricular Tachycardia; VENTRICULAR TACHYCARDIA, STRESS-INDUCED POLYMORPHIC 1. Identifiers: Orphanet 3286, MedGen C1631597, MONDO:0011484, OMIM 604772.
Arrhythmogenic right ventricular cardiomyopathy (ARVD). Also called: Cardiomyopathy, ARVC; Arrhythmogenic Right Ventricular Cardiomyopathy (ARVC); Arrhythmogenic right ventricular dysplasia; Arrhythmogenic cardiomyopathy. Identifiers: Orphanet 247, MedGen C0349788, MeSH D019571, MONDO:0016587. Disease mechanism: loss of function. Inheritance: Various modes of inheritance.
Cardiomyopathy (CMYO). Also called: Cardiomyopathies. Identifiers: Orphanet 167848, MedGen C0878544, MONDO:0004994, HP:0001638. Inheritance: Various modes of inheritance.
Cardiovascular phenotype. Identifiers: MedGen CN230736.

Allele frequency attached by ClinVar (database versions not stated): gnomAD exomes 0.00001; TOPMed 0.00001; ExAC 0.00002.
gnomAD v4.1: 8 of 1,601,468 alleles (0.0005%); highest among the groups gnomAD compares: Middle Eastern, 0.017%; no homozygotes.

Submissions (4):

Ambry Genetics
Classification: Uncertain significance for Cardiovascular phenotype. Last evaluated: 2026-07-02. Review status: criteria provided, single submitter. Criteria: Ambry Variant Classification Scheme 2023. Collection method: clinical testing. Allele origin: germline.
Comment: The p.L2990F variant (also known as c.8968C>T), located in coding exon 62 of the RYR2 gene, results from a C to T substitution at nucleotide position 8968. The leucine at codon 2990 is replaced by phenylalanine, an amino acid with highly similar properties. This amino acid position is conserved. In addition, the in silico prediction for this alteration is inconclusive. Based on the available evidence, the clinical significance of this variant remains unclear.

Labcorp Genetics (formerly Invitae), Labcorp
Classification: Uncertain significance for Catecholaminergic polymorphic ventricular tachycardia 1. Last evaluated: 2025-04-17. Review status: criteria provided, single submitter. Criteria: Invitae Variant Classification Sherloc (09022015). Collection method: clinical testing. Allele origin: germline.
Comment: This sequence change replaces leucine, which is neutral and non-polar, with phenylalanine, which is neutral and non-polar, at codon 2990 of the RYR2 protein (p.Leu2990Phe). This variant is present in population databases (rs746439954, gnomAD 0.002%). This variant has not been reported in the literature in individuals affected with RYR2-related conditions. ClinVar contains an entry for this variant (Variation ID: 692127). Invitae Evidence Modeling of protein sequence and biophysical properties (such as structural, functional, and spatial information, amino acid conservation, physicochemical variation, residue mobility, and thermodynamic stability) has been performed for this missense variant. However, the output from this modeling did not meet the statistical confidence thresholds required to predict the impact of this variant on RYR2 protein function. In summary, the available evidence is currently insufficient to determine the role of this variant in disease. Therefore, it has been classified as a Variant of Uncertain Significance.

Color Diagnostics, LLC DBA Color Health
Classification: Uncertain significance for Cardiomyopathy. Last evaluated: 2024-03-06. Review status: criteria provided, single submitter. Criteria: ACMG Guidelines, 2015. Collection method: clinical testing. Allele origin: germline.
Comment: This missense variant replaces leucine with phenylalanine at codon 2990 of the RYR2 protein. Computational prediction suggests that this variant may not impact protein structure and function. To our knowledge, functional studies have not been reported for this variant. This variant has not been reported in individuals affected with RYR2-related disorders in the literature. This variant has been identified in 2/240352 chromosomes in the general population by the Genome Aggregation Database (gnomAD). The available evidence is insufficient to determine the role of this variant in disease conclusively. Therefore, this variant is classified as a Variant of Uncertain Significance.

Agnes Ginges Centre for Molecular Cardiology, Centenary Institute
Classification: Uncertain significance for Arrhythmogenic right ventricular cardiomyopathy. Last evaluated: 2017-05-15. Review status: criteria provided, single submitter. Criteria: ACMG Guidelines, 2015. Collection method: research. Allele origin: germline. Affected: yes.
Comment: This variant has been identified as part of our research program. Refer to the 'condition' field for the phenotype of the proband(s) identified with this variant. For further information please feel free to contact us.